The following is an entry in ClinVar:

NM_004371.4(COPA):c.2559G>T (p.Leu853Phe)

Gene: COPA (coat protein complex I subunit alpha; minus strand). Cytogenetic location: 1q23.2.
Variant type: single nucleotide variant.
Coding change: c.2559G>T on transcript NM_004371.4 (MANE Select); coding-DNA position 2559, G replaced by T.
Protein change: p.Leu853Phe; replaces leucine 853 with phenylalanine.
Molecular consequence: missense variant.
Genome position (GRCh38, 1-based): chr1:160,294,775, C>A on the plus strand (G>T on the coding strand, the complement: COPA is on the minus strand). VCF-style: chr1-160294775-C-A. GRCh37 (hg19) VCF-style: chr1-160264565-C-A.
Other names: c.2586G>T, p.Leu862Phe (NM_001098398.2); short protein forms L853F, L862F.
Identifiers: ClinVar variation 2994718 (VCV002994718.3), dbSNP rs2101824464, ClinGen allele CA343275832.
Genomic context (GRCh38, chr1:160,294,775, plus strand): 5'-TCCCAATCCAAGGTGTCCATCACCCCAGAACAGTCTTAAAACAGCACTTTTACCTTCATC[C>A]AACTGCAGCTCTGCATCCTCTCCCCAGCCCTCTGTACCAACAGTGTCAATGTCAATGTCA-3'
Protein context (NP_004362.2, residues 843-863): EGWGEDAELQ[Leu853Phe]DEDGFVEATE

ClinVar aggregate classification (germline): Uncertain significance (1 of 4 stars; one submission).

Conditions:
Autoimmune interstitial lung disease-arthritis syndrome. Also called: Autoinflammation and autoimmunity, systemic, with immune dysregulation. Identifiers: Orphanet 444092, MedGen C5975714, MONDO:0014629.

Submission:

Labcorp Genetics (formerly Invitae), Labcorp
Classification: Uncertain significance for Autoimmune interstitial lung disease-arthritis syndrome. Last evaluated: 2023-03-08. Review status: criteria provided, single submitter. Criteria: Invitae Variant Classification Sherloc (09022015). Collection method: clinical testing. Allele origin: germline.
Comment: This sequence change replaces leucine, which is neutral and non-polar, with phenylalanine, which is neutral and non-polar, at codon 853 of the COPA protein (p.Leu853Phe). This variant is not present in population databases (gnomAD no frequency). This variant has not been reported in the literature in individuals affected with COPA-related conditions. Advanced modeling of protein sequence and biophysical properties (such as structural, functional, and spatial information, amino acid conservation, physicochemical variation, residue mobility, and thermodynamic stability) performed at Invitae indicates that this missense variant is not expected to disrupt COPA protein function. In summary, the available evidence is currently insufficient to determine the role of this variant in disease. Therefore, it has been classified as a Variant of Uncertain Significance.